The following is an entry in ClinVar:

NM_001042492.3(NF1):c.5578del (p.Asn1861fs)

Gene: NF1 (neurofibromin 1; plus strand). Cytogenetic location: 17q11.2.
Variant type: Deletion.
Coding change: c.5578del on transcript NM_001042492.3 (MANE Select); coding-DNA position 5578, one base deleted (C; older notation c.5578delC).
Protein change: p.Asn1861fs; shifts the reading frame from asparagine 1861.
Molecular consequence: frameshift variant.
Genome position (GRCh38, 1-based): chr17:31,327,808, C deleted. VCF-style (leftmost placement, unchanged base first): chr17-31327807-AC-A. GRCh37 (hg19) VCF-style: chr17-29654825-AC-A.
Other names: c.5515delC, p.Asn1840Ilefs (NM_000267.4); short protein forms N1861fs, N1840fs.
Identifiers: ClinVar variation 2844413 (VCV002844413.3), dbSNP rs2508708323, ClinGen allele CA2739267473.

ClinVar aggregate classification (germline): Pathogenic (1 of 4 stars; one submission).

Conditions:
Neurofibromatosis, type 1 (NF1). Also called: Neurofibromatosis, type I; VON RECKLINGHAUSEN DISEASE; NEUROFIBROMATOSIS, TYPE I, SOMATIC; Peripheral type neurofibromatosis. Identifiers: Orphanet 636, MedGen C0027831, MONDO:0018975, OMIM 162200. Disease mechanism: loss of function.

Submission:

Labcorp Genetics (formerly Invitae), Labcorp
Classification: Pathogenic for Neurofibromatosis, type 1. Last evaluated: 2023-03-09. Review status: criteria provided, single submitter. Criteria: Invitae Variant Classification Sherloc (09022015). Collection method: clinical testing. Allele origin: germline.
Comment: This sequence change creates a premature translational stop signal (p.Asn1840Ilefs*2) in the NF1 gene. It is expected to result in an absent or disrupted protein product. Loss-of-function variants in NF1 are known to be pathogenic (PMID: 10712197, 23913538). This variant is not present in population databases (gnomAD no frequency). This variant has not been reported in the literature in individuals affected with NF1-related conditions. For these reasons, this variant has been classified as Pathogenic.

Literature cited by the submitters: PubMed 10712197; PubMed 23913538.